The following is an entry in ClinVar:

ClinVar aggregate classification (germline): Conflicting classifications of pathogenicity. Review status: criteria provided, conflicting classifications (1 of 4 stars). 4 submissions from 4 submitters: Likely pathogenic (2); Uncertain significance (2). Last evaluated 2025-11-07.

Conditions:
Hypophosphatasia. Also called: Phosphoethanol-aminuria. Identifiers: Orphanet 436, MedGen C0020630, MeSH D007014, MONDO:0018570.
Infantile hypophosphatasia. Identifiers: Orphanet 247651, Orphanet 436, MedGen C0268412, MONDO:1010169, OMIM 241500, MONDO:0009427.

Allele frequency attached by ClinVar (database versions not stated): TOPMed below 0.00001; gnomAD 0.00001.
gnomAD v4.1: 1 of 1,613,714 alleles (0.000062%); highest among the groups gnomAD compares: East Asian, 0.0022%; no homozygotes.

Submissions (4):

Women's Health and Genetics/Laboratory Corporation of America, LabCorp
Classification: Likely pathogenic for Hypophosphatasia. Last evaluated: 2025-11-07. Review status: criteria provided, single submitter. Criteria: LabCorp Variant Classification Summary - May 2015. Collection method: clinical testing. Allele origin: germline.
Comment: Variant summary: ALPL c.1271T>C (p.Val424Ala) results in a non-conservative amino acid change in the encoded protein sequence. Algorithms developed to predict the effect of missense changes on protein structure and function all suggest that this variant is likely to be disruptive. The variant was absent in 251412 control chromosomes. c.1271T>C has been observed in biallelic individual(s) affected with Hypophosphatasia (Zhang_2012, internal data). These data indicate that the variant may be associated with disease. To our knowledge, no experimental evidence demonstrating an impact on protein function has been reported. The following publication has been ascertained in the context of this evaluation (PMID: 22300680). ClinVar contains an entry for this variant (Variation ID: 1402729). Based on the evidence outlined above, the variant was classified as likely pathogenic.

Genomenon, Inc
Classification: Uncertain significance for Hypophosphatasia. Last evaluated: 2025-08-29. Review status: criteria provided, single submitter. Criteria: Genomenon Sequence Variant Interpretation Standards. Collection method: curation. Allele origin: germline. Affected: yes.
Comment: ALPL Val424Ala (c.1271T>C) is a missense variant that changes the amino acid at residue 424 from Valine to Alanine. This variant has been observed in at least one proband affected with hypophosphatasia (PMID:22300680). It is absent or not present at a significant frequency in gnomAD. In silico models agree that this variant is possibly or probably damaging. In conclusion, we classify ALPL p.Val424Ala (c.1271T>C) as a variant of unknown significance.

3billion
Classification: Uncertain significance for Infantile hypophosphatasia. Last evaluated: 2025-08-27. Review status: criteria provided, single submitter. Criteria: ACMG Guidelines, 2015. Collection method: clinical testing. Allele origin: germline. Affected: yes.
Comment: The variant is observed at an extremely low frequency in the gnomAD v4.1.0 dataset (total allele frequency: <0.001%). Predicted Consequence/Location: Missense variant In silico tool predictions suggest damaging effect of the variant on gene or gene product [REVEL: 0.65 (>=0.6, sensitivity 0.68 and specificity 0.92); 3Cnet: 0.99 (> 0.75, sensitivity 0.96 and precision 0.92)]. The same nucleotide change resulting in the same amino acid change has been previously reported to be associated with ALPL-related disorder (ClinVar ID: VCV001402729 /PMID: 22300680).The variant has been reported to be in trans with a pathogenic variant as either compound heterozygous or homozygous in at least one similarly affected unrelated individual (PMID: 22300680). However the evidence of pathogenicity is insufficient at this time. Therefore, this variant is classified as VUS according to the recommendation of ACMG/AMP guideline.

Labcorp Genetics (formerly Invitae), Labcorp
Classification: Likely pathogenic. Last evaluated: 2022-11-29. Review status: criteria provided, single submitter. Criteria: Invitae Variant Classification Sherloc (09022015). Collection method: clinical testing. Allele origin: germline.
Comment: This variant is not present in population databases (gnomAD no frequency). In summary, the currently available evidence indicates that the variant is pathogenic, but additional data are needed to prove that conclusively. Therefore, this variant has been classified as Likely Pathogenic. This variant disrupts the p.Val424 amino acid residue in ALPL. Other variant(s) that disrupt this residue have been observed in individuals with ALPL-related conditions (PMID: 32160374), which suggests that this may be a clinically significant amino acid residue. Advanced modeling of protein sequence and biophysical properties (such as structural, functional, and spatial information, amino acid conservation, physicochemical variation, residue mobility, and thermodynamic stability) performed at Invitae indicates that this missense variant is expected to disrupt ALPL protein function. ClinVar contains an entry for this variant (Variation ID: 1402729). This missense change has been observed in individual(s) with hypophosphatasia (PMID: 22300680; Invitae). This sequence change replaces valine with alanine at codon 424 of the ALPL protein (p.Val424Ala). The valine residue is moderately conserved and there is a small physicochemical difference between valine and alanine.

Literature cited by the submitters: PubMed 22300680 (cited by 4 submitters); PubMed 32160374 (cited by Labcorp Genetics (formerly Invitae), Labcorp).

NM_000478.6(ALPL):c.1271T>C (p.Val424Ala)

Gene: ALPL (alkaline phosphatase, biomineralization associated; plus strand). Cytogenetic location: 1p36.12.
Variant type: single nucleotide variant.
Coding change: c.1271T>C on transcript NM_000478.6 (MANE Select); coding-DNA position 1271, T replaced by C.
Protein change: p.Val424Ala; replaces valine 424 with alanine.
Molecular consequence: missense variant.
Genome position (GRCh38, 1-based): chr1:21,576,603, T>C. VCF-style: chr1-21576603-T-C. GRCh37 (hg19) VCF-style: chr1-21903096-T-C.
Other names: c.1106T>C, p.Val369Ala (NM_001127501.4); c.1040T>C, p.Val347Ala (NM_001177520.3); c.1271T>C, p.Val424Ala (NM_001369803.2, NM_001369804.2, NM_001369805.2); short protein forms V424A, V347A, V369A.
Identifiers: ClinVar variation 1402729 (VCV001402729.9), dbSNP rs1436960562, ClinGen allele CA338881830.